The following is an entry in ClinVar:

ClinVar aggregate classification (germline): Likely benign. Review status: criteria provided, multiple submitters, no conflicts (2 of 4 stars). 8 submissions from 6 submitters: Likely benign (8). Last evaluated 2026-03-27.

Conditions:
Dilated cardiomyopathy 1D. Identifiers: Orphanet 154, Orphanet 54260, MedGen C1832243, MONDO:0011095, OMIM 601494.
Hypertrophic cardiomyopathy 2. Also called: TNNT2-Related Familial Hypertrophic Cardiomyopathy. Identifiers: MedGen C1861864, MONDO:0007266, OMIM 115195.
Cardiomyopathy, familial restrictive, 3. Identifiers: Orphanet 75249, MedGen C2676271, MONDO:0012900, OMIM 612422.
Cardiovascular phenotype. Identifiers: MedGen CN230736.
Cardiomyopathy (CMYO). Also called: Cardiomyopathies. Identifiers: Orphanet 167848, MedGen C0878544, MONDO:0004994, HP:0001638. Inheritance: Various modes of inheritance.

Allele frequency attached by ClinVar (database versions not stated): gnomAD exomes 0.00001 and 0.00002; 1000 Genomes Project 0.00020; gnomAD 0.00002 and below 0.00001; 1000 Genomes Project 30x 0.00016; ExAC 0.00002.
gnomAD v4.1: 14 of 1,614,074 alleles (0.00087%); highest among the groups gnomAD compares: South Asian, 0.014%; no homozygotes.

Submissions (8):

Molecular Diagnostic Laboratory for Inherited Cardiovascular Disease, Montreal Heart Institute
Classification: Likely benign. Last evaluated: 2026-03-27. Review status: criteria provided, single submitter. Criteria: ACMG Guidelines, 2015. Collection method: clinical testing. Allele origin: germline. Affected: no.

Labcorp Genetics (formerly Invitae), Labcorp
Classification: Likely benign for Cardiomyopathy, familial restrictive, 3; Hypertrophic cardiomyopathy 2; Dilated cardiomyopathy 1D. Last evaluated: 2025-04-27. Review status: criteria provided, single submitter. Criteria: Invitae Variant Classification Sherloc (09022015). Collection method: clinical testing. Allele origin: germline.

All of Us Research Program, National Institutes of Health
Classification: Likely benign for Cardiomyopathy. Last evaluated: 2024-02-22. Review status: criteria provided, single submitter. Criteria: ACMG Guidelines, 2015. Collection method: clinical testing. Allele origin: germline. Inheritance: Autosomal dominant inheritance. Observed: 2 variant alleles, 2 heterozygotes.
Comment: This study involves interpretation of variants in research participants for the purpose of population health screening. Participant phenotype was not available at the time of variant classification. Additional details can be found in publication PMID: 35346344, PMCID: PMC8962531

Ambry Genetics
Classification: Likely benign for Cardiovascular phenotype. Last evaluated: 2023-07-05. Review status: criteria provided, single submitter. Criteria: Ambry Variant Classification Scheme 2023. Collection method: clinical testing. Allele origin: germline.

Genome-Nilou Lab
Classification: Likely benign for Dilated cardiomyopathy 1D. Last evaluated: 2023-04-11. Review status: criteria provided, single submitter. Criteria: ACMG Guidelines, 2015. Collection method: clinical testing. Allele origin: germline. Affected: no.

Genome-Nilou Lab
Classification: Likely benign for Cardiomyopathy, familial restrictive, 3. Last evaluated: 2023-04-11. Review status: criteria provided, single submitter. Criteria: ACMG Guidelines, 2015. Collection method: clinical testing. Allele origin: germline. Affected: no.

Genome-Nilou Lab
Classification: Likely benign for Hypertrophic cardiomyopathy 2. Last evaluated: 2023-04-11. Review status: criteria provided, single submitter. Criteria: ACMG Guidelines, 2015. Collection method: clinical testing. Allele origin: germline. Affected: no.

Color Diagnostics, LLC DBA Color Health
Classification: Likely benign for Cardiomyopathy. Last evaluated: 2019-09-30. Review status: criteria provided, single submitter. Criteria: ACMG Guidelines, 2015. Collection method: clinical testing. Allele origin: germline.

NM_001276345.2(TNNT2):c.207A>G (p.Pro69=)

Gene: TNNT2 (troponin T2, cardiac type; minus strand). Cytogenetic location: 1q32.1.
Variant type: single nucleotide variant.
Coding change: c.207A>G on transcript NM_001276345.2 (MANE Select); coding-DNA position 207, A replaced by G.
Protein change: p.Pro69=; no amino-acid change (proline 69 retained).
Molecular consequence: synonymous variant.
Genome position (GRCh38, 1-based): chr1:201,366,864, T>C on the plus strand (A>G on the coding strand, the complement: TNNT2 is on the minus strand). VCF-style: chr1-201366864-T-C. GRCh37 (hg19) VCF-style: chr1-201335992-T-C.
Other names: c.207A>G, p.Pro69= (NM_000364.4); c.177A>G, p.Pro59= (NM_001001430.3, NM_001001431.3, NM_001276347.2); c.162A>G, p.Pro54= (NM_001001432.3); c.177A>G (NM_001001430.2); c.204A>G, p.Pro68= (NM_001276346.2).
Identifiers: ClinVar variation 922246 (VCV000922246.12), dbSNP rs531954320, ClinGen allele CA088943.
Genomic context (GRCh38, chr1:201,366,864, plus strand): 5'-GCTCCCGGCTCTACCCAGGTGCCTCCCCACTCACCTGGGCTTTGGTTTGGACTCCTCCAT[T>C]GGGCCATCTGGAGGAGATAGAAGCACACAGCCATGGGTCAGGGGGCCCCAGAAGTGGTCC-3'
Protein context (NP_001263274.1, residues 59-79): EEEAKEAEDG[Pro69=]MEESKPKPRS